The following is an entry in ClinVar:

ClinVar aggregate classification (germline): Benign (0 of 4 stars; one submission).

Conditions:
MACROD2-related disorder. Also called: MACROD2-related condition.

Allele frequency attached by ClinVar (database versions not stated): ESP Exome Variant Server 0.00369; 1000 Genomes Project 0.00399; 1000 Genomes Project 30x 0.00406.
gnomAD v4.1: 1,082 of 1,611,274 alleles (0.067%); highest among the groups gnomAD compares: African/African-American, 1.3%; 6 homozygotes.

Submission:

PreventionGenetics, part of Exact Sciences
Classification: Benign for MACROD2-related condition. Last evaluated: 2019-06-10. Review status: no assertion criteria provided. Collection method: clinical testing. Allele origin: germline.
Comment: This variant is classified as benign based on ACMG/AMP sequence variant interpretation guidelines (Richards et al. 2015 PMID: 25741868, with internal and published modifications).

NM_001351661.2(MACROD2):c.940G>A (p.Gly314Ser)

Genes: MACROD2 (mono-ADP ribosylhydrolase 2; plus strand), LOC613266 (uncharacterized LOC613266; minus strand). Cytogenetic location: 20p12.1.
Variant type: single nucleotide variant.
Coding change: c.940G>A on transcript NM_001351661.2 (MANE Select); coding-DNA position 940, G replaced by A.
Protein change: p.Gly314Ser; replaces glycine 314 with serine.
Molecular consequence: missense variant.
Genome position (GRCh38, 1-based): chr20:15,967,585, G>A. VCF-style: chr20-15967585-G-A. GRCh37 (hg19) VCF-style: chr20-15948230-G-A.
Other names: c.940G>A, p.Gly314Ser (NM_001033086.1, NM_001351663.2, NM_080676.6); c.235G>A, p.Gly79Ser (NM_001033087.2, NM_001351664.2); short protein forms G314S, G79S.
Identifiers: ClinVar variation 3057099 (VCV003057099.2), dbSNP rs150617904, ClinGen allele CA9769453.
Genomic context (GRCh38, chr20:15,967,585, plus strand): 5'-ACCAAAGGTTTTGCTTGTTTGTTGTTAGATTTTGCAAAGGATGAAAATATTACAAAAGGC[G>A]GTGAAGTGACAGATCATTCTGTGCGTGACCAAGATCATCCCGATGGTAGGTTGTGAAATC-3'
Protein context (NP_001338590.1, residues 304-324): FAKDENITKG[Gly314Ser]EVTDHSVRDQ